The following is an entry in ClinVar:

NM_001042492.3(NF1):c.6795G>C (p.Lys2265Asn)

Gene: NF1 (neurofibromin 1; plus strand). Cytogenetic location: 17q11.2.
Variant type: single nucleotide variant.
Coding change: c.6795G>C on transcript NM_001042492.3 (MANE Select); coding-DNA position 6795, G replaced by C.
Protein change: p.Lys2265Asn; replaces lysine 2265 with asparagine.
Molecular consequence: missense variant.
Genome position (GRCh38, 1-based): chr17:31,338,115, G>C. VCF-style: chr17-31338115-G-C. GRCh37 (hg19) VCF-style: chr17-29665133-G-C.
Other names: c.6732G>C, p.Lys2244Asn (NM_000267.4); short protein forms K2244N, K2265N.
Identifiers: ClinVar variation 4800798 (VCV004800798.1).

ClinVar aggregate classification (germline): Uncertain significance (1 of 4 stars; one submission).

Conditions:
Neurofibromatosis, type 1 (NF1). Also called: VON RECKLINGHAUSEN DISEASE; Neurofibromatosis, type I; NEUROFIBROMATOSIS, TYPE I, SOMATIC; Peripheral type neurofibromatosis. Identifiers: Orphanet 636, MedGen C0027831, MONDO:0018975, OMIM 162200. Disease mechanism: loss of function.

Submission:

Labcorp Genetics (formerly Invitae), Labcorp
Classification: Uncertain significance for Neurofibromatosis, type 1. Last evaluated: 2026-01-14. Review status: criteria provided, single submitter. Criteria: Invitae Variant Classification Sherloc (09022015). Collection method: clinical testing. Allele origin: germline.
Comment: This sequence change replaces lysine, which is basic and polar, with asparagine, which is neutral and polar, at codon 2244 of the NF1 protein (p.Lys2244Asn). This variant is not present in population databases (gnomAD no frequency). This variant has not been reported in the literature in individuals affected with NF1-related conditions. Invitae Evidence Modeling of protein sequence and biophysical properties (such as structural, functional, and spatial information, amino acid conservation, physicochemical variation, residue mobility, and thermodynamic stability) has been performed for this missense variant. However, the output from this modeling did not meet the statistical confidence thresholds required to predict the impact of this variant on NF1 protein function. In summary, the available evidence is currently insufficient to determine the role of this variant in disease. Therefore, it has been classified as a Variant of Uncertain Significance.